The following is an entry in ClinVar:

NM_001330078.2(NRXN1):c.*573A>C

Gene: NRXN1 (neurexin 1; minus strand). Cytogenetic location: 2p16.3.
Variant type: single nucleotide variant.
Coding change: c.*573A>C on transcript NM_001330078.2 (MANE Select); 573 bases downstream of the stop codon, A replaced by C.
Molecular consequence: 3 prime UTR variant.
Genome position (GRCh38, 1-based): chr2:49,921,371, T>G on the plus strand (A>C on the coding strand, the complement: NRXN1 is on the minus strand). VCF-style: chr2-49921371-T-G. GRCh37 (hg19) VCF-style: chr2-50148509-T-G.
Other names: c.*573A>C (NM_001135659.3, NM_001320156.4, NM_001320157.4 and 17 more transcripts).
Identifiers: ClinVar variation 336534 (VCV000336534.5), dbSNP rs184870922, ClinGen allele CA10613644.
Genomic context (GRCh38, chr2:49,921,371, plus strand): 5'-TGAAAATAAGGCCTCCATACTTTTTTTTCCTCTCTCACAACCAGAAAGGGGCTTTTTGAA[T>G]GTGTTCCTACACAAGTCTTCAAAAAAGCCAGCACTTTGTTTCAAATGCAAGTTCCAACCA-3'

ClinVar aggregate classification (germline): Likely benign (1 of 4 stars; one submission).

Conditions:
Pitt-Hopkins-like syndrome 2 (PTHSL2). Identifiers: Orphanet 221150, Orphanet 600663, MedGen C3280479, MONDO:0013690, OMIM 614325.

Allele frequency attached by ClinVar (database versions not stated): TOPMed 0.00042; 1000 Genomes Project 30x 0.00125; 1000 Genomes Project 0.00160; gnomAD 0.00338 and 0.00349; gnomAD exomes 0.03271.
gnomAD v4.1: 519 of 152,696 alleles (0.34%); highest among the groups gnomAD compares: Non-Finnish European, 0.19%; 1 homozygote.

Submission:

Illumina Laboratory Services, Illumina
Classification: Likely benign for Pitt-Hopkins-like syndrome 2. Last evaluated: 2018-01-13. Review status: criteria provided, single submitter. Criteria: ICSL Variant Classification Criteria 13 December 2019. Collection method: clinical testing. Allele origin: germline.
Comment: This variant was observed in the ICSL laboratory as part of a predisposition screen in an ostensibly healthy population. It had not been previously curated by ICSL or reported in the Human Gene Mutation Database (HGMD: prior to June 1st, 2018), and was therefore a candidate for classification through an automated scoring system. Utilizing variant allele frequency, disease prevalence and penetrance estimates, and inheritance mode, an automated score was calculated to assess if this variant is too frequent to cause the disease. Based on the score and internal cut-off values, a variant classified as likely benign is not then subjected to further curation. The score for this variant resulted in a classification of likely benign for this disease.